The following is an entry in ClinVar:

ClinVar aggregate classification (germline): Benign/Likely benign. Review status: criteria provided, multiple submitters, no conflicts (2 of 4 stars). 3 submissions from 3 submitters: Benign (1); Likely benign (2). Last evaluated 2026-01-31.

Conditions:
Cardiovascular phenotype. Identifiers: MedGen CN230736.
Brugada syndrome. Also called: Sudden Unexplained Death Syndrome; Sudden Unexplained Nocturnal Death Syndrome (SUNDS); Sudden unexplained nocturnal death syndrome; Sudden unexpected nocturnal death syndrome. Identifiers: Orphanet 130, MedGen C1142166, MONDO:0015263.

Allele frequency attached by ClinVar (database versions not stated): gnomAD exomes 0.00008 and 0.00015; ExAC 0.00020; 1000 Genomes Project 0.00040; 1000 Genomes Project 30x 0.00047; ESP Exome Variant Server 0.00054; TOPMed 0.00069; gnomAD 0.00082 and 0.00088.
gnomAD v4.1: 243 of 1,614,180 alleles (0.015%); highest among the groups gnomAD compares: African/African-American, 0.27%; no homozygotes.

Submissions (3):

Labcorp Genetics (formerly Invitae), Labcorp
Classification: Benign for Brugada syndrome. Last evaluated: 2026-01-31. Review status: criteria provided, single submitter. Criteria: Invitae Variant Classification Sherloc (09022015). Collection method: clinical testing. Allele origin: germline.

GeneDx
Classification: Likely benign. Last evaluated: 2020-06-01. Review status: criteria provided, single submitter. Criteria: GeneDx Variant Classification Process June 2021. Collection method: clinical testing. Allele origin: germline. Affected: yes.
Comment: Has not been previously published as pathogenic or benign to our knowledge

Ambry Genetics
Classification: Likely benign for Cardiovascular phenotype. Last evaluated: 2017-04-26. Review status: criteria provided, single submitter. Criteria: Ambry Variant Classification Scheme 2023. Collection method: clinical testing. Allele origin: germline.

NM_004982.4(KCNJ8):c.897G>A (p.Val299=)

Genes: KCNJ8 (potassium inwardly rectifying channel subfamily J member 8; minus strand), KCNJ8-AS1 (KCNJ8 antisense RNA 1; plus strand). Cytogenetic location: 12p12.1.
Variant type: single nucleotide variant.
Coding change: c.897G>A on transcript NM_004982.4 (MANE Select); coding-DNA position 897, G replaced by A.
Protein change: p.Val299=; no amino-acid change (valine 299 retained).
Molecular consequence: synonymous variant.
Genome position (GRCh38, 1-based): chr12:21,766,101, C>T on the plus strand (G>A on the coding strand, the complement: KCNJ8 is on the minus strand). VCF-style: chr12-21766101-C-T. GRCh37 (hg19) VCF-style: chr12-21919035-C-T.
Identifiers: ClinVar variation 507454 (VCV000507454.17), dbSNP rs139329310, ClinGen allele CA6480643.
Genomic context (GRCh38, chr12:21,766,101, plus strand): 5'-TTGGATCTCCTCAGCAATGTAGGAGGTTCGTGCTTGTGTGGTGATGCCAGTAGTTTCAAC[C>T]ACTCCTTCCAGAATAACTATGACCTCCAAGTCTTGGTTGGCCAGGTCAGTTGCTGAGATG-3'
Protein context (NP_004973.1, residues 289-309): DLEVIVILEG[Val299=]VETTGITTQA